The following is an entry in ClinVar:

NM_001135556.2(DYNC1I1):c.216G>A (p.Pro72=)

Gene: DYNC1I1 (dynein cytoplasmic 1 intermediate chain 1; plus strand). Cytogenetic location: 7q21.3.
Variant type: single nucleotide variant.
Coding change: c.216G>A on transcript NM_001135556.2 (MANE Select); coding-DNA position 216, G replaced by A.
Protein change: p.Pro72=; no amino-acid change (proline 72 retained).
Molecular consequence: synonymous variant.
Genome position (GRCh38, 1-based): chr7:95,810,499, G>A. VCF-style: chr7-95810499-G-A. GRCh37 (hg19) VCF-style: chr7-95439811-G-A.
Other names: c.216G>A, p.Pro72= (NM_001135557.2, NM_001278421.2, NM_001278422.2 and 1 more transcripts); c.216G>A (NM_004411.4).
Identifiers: ClinVar variation 1555588 (VCV001555588.11), dbSNP rs78122113, ClinGen allele CA4352136.
Genomic context (GRCh38, chr7:95,810,499, plus strand): 5'-GGATCGCAAACGACGAGAGACAGAGGCTTTGCTGCAAAGCATTGGTATCTCACCGGAGCC[G>A]CCTCTAGGTACTTAAAAGTGCTTCCTGTTACTATTCCTCAAAATCAACTTGCGTGGGATA-3'
Protein context (NP_001129028.1, residues 62-82): LLQSIGISPE[Pro72=]PLVPTPMSPS

ClinVar aggregate classification (germline): Benign. Review status: criteria provided, multiple submitters, no conflicts (2 of 4 stars). 3 submissions from 3 submitters: Benign (2). 1 of the submissions does not count toward it. Last evaluated 2026-01-19.

Conditions:
DYNC1I1-related disorder. Also called: DYNC1I1-related condition.

Allele frequency attached by ClinVar (database versions not stated): gnomAD exomes 0.00066; ExAC 0.00210; 1000 Genomes Project 0.00519; 1000 Genomes Project 30x 0.00625; ESP Exome Variant Server 0.00746.
gnomAD v4.1: 1,953 of 1,610,802 alleles (0.12%); highest among the groups gnomAD compares: African/African-American, 2.3%; 33 homozygotes.

Submissions (3):

Labcorp Genetics (formerly Invitae), Labcorp
Classification: Benign. Last evaluated: 2026-01-19. Review status: criteria provided, single submitter. Criteria: Invitae Variant Classification Sherloc (09022015). Collection method: clinical testing. Allele origin: germline.

Breakthrough Genomics
Classification: Benign. Review status: criteria provided, single submitter. Criteria: ACMG Guidelines, 2015. Collection method: not provided. Allele origin: germline. Inheritance: Unknown mechanism. Affected: yes.

PreventionGenetics, part of Exact Sciences
Classification: Benign for DYNC1I1-related condition. Last evaluated: 2020-02-05. Review status: no assertion criteria provided. Collection method: clinical testing. Allele origin: germline. Not counted in ClinVar's aggregate classification.
Comment: This variant is classified as benign based on ACMG/AMP sequence variant interpretation guidelines (Richards et al. 2015 PMID: 25741868, with internal and published modifications).